The following is an entry in ClinVar:

ClinVar aggregate classification (germline): Likely pathogenic (1 of 4 stars; one submission).

Conditions:
Inborn genetic diseases. Identifiers: MedGen C0950123, MeSH D030342.

Submission:

Ambry Genetics
Classification: Likely pathogenic for Inborn genetic diseases. Last evaluated: 2026-04-27. Review status: criteria provided, single submitter. Criteria: Ambry Variant Classification Scheme 2023. Collection method: clinical testing. Allele origin: germline.
Comment: The p.S4* variant (also known as c.11C>A), located in coding exon 1 of the DDX41 gene, results from a C to A substitution at nucleotide position 11. This changes the amino acid from a serine to a stop codon within coding exon 1. The predicted stop codon occurs in the 5&rsquo; end of thegene. Premature termination codons in the 5&rsquo; end of a gene have been reported to escape nonsense-mediated mRNAdecay and/or lead to re-initiation (Rivas et al. Science. 2015 May 8;348(6235):666-9; Lindeboom et al. Nat Genet. 2016 Oct;48(10):1112-8; Rhee et al. Sci Rep. 2017 May 10;7(1):1653). Direct evidence for this variant is unavailable, however premature termination codons are typically deleterious in nature. This variant is considered to be rare based on population cohorts in the Genome Aggregation Database (gnomAD). Based on the majority of available evidence to date, this variant is likely to be pathogenic.

NM_016222.4(DDX41):c.11C>A (p.Ser4Ter)

Gene: DDX41 (DEAD-box helicase 41; minus strand). Cytogenetic location: 5q35.3.
Variant type: single nucleotide variant.
Coding change: c.11C>A on transcript NM_016222.4 (MANE Select); coding-DNA position 11, C replaced by A.
Protein change: p.Ser4Ter; replaces serine 4 with a stop codon.
Molecular consequence: nonsense. On other transcripts: 5 prime UTR variant (2).
Genome position (GRCh38, 1-based): chr5:177,516,935, G>T on the plus strand (C>A on the coding strand, the complement: DDX41 is on the minus strand). VCF-style: chr5-177516935-G-T. GRCh37 (hg19) VCF-style: chr5-176943936-G-T.
Other names: c.-645C>A (NM_001321732.2); c.-437C>A (NM_001321830.2); short protein forms S4*.
Identifiers: ClinVar variation 4869612 (VCV004869612.1).